The following is an entry in ClinVar:

NM_024675.4(PALB2):c.1561A>T (p.Thr521Ser)

Gene: PALB2 (partner and localizer of BRCA2; minus strand). Cytogenetic location: 16p12.2.
Variant type: single nucleotide variant.
Coding change: c.1561A>T on transcript NM_024675.4 (MANE Select); coding-DNA position 1561, A replaced by T.
Protein change: p.Thr521Ser; replaces threonine 521 with serine.
Molecular consequence: missense variant. On other transcripts: intron variant (3).
Genome position (GRCh38, 1-based): chr16:23,634,985, T>A on the plus strand (A>T on the coding strand, the complement: PALB2 is on the minus strand). VCF-style: chr16-23634985-T-A. GRCh37 (hg19) VCF-style: chr16-23646306-T-A.
Other names: c.1501A>T, p.Thr501Ser (NM_001407296.1); c.1561A>T, p.Thr521Ser (NM_001407297.1, NM_001407298.1, NM_001407299.1 and 3 more transcripts); c.676A>T, p.Thr226Ser (NM_001407304.1, NM_001407305.1, NM_001407306.1 and 5 more transcripts); c.49-5710A>T (NM_001407314.1); c.-104-4516A>T (NM_001407313.1, NM_001407312.1); short protein forms T521S, T501S, T226S.
Identifiers: ClinVar variation 3011589 (VCV003011589.3), dbSNP rs2142412552, ClinGen allele CA395130751.

ClinVar aggregate classification (germline): Uncertain significance (1 of 4 stars; one submission).

Conditions:
Familial cancer of breast. Also called: hereditary breast carcinoma; BREAST CANCER, FAMILIAL; Hereditary breast cancer. Identifiers: Orphanet 227535, MedGen C0346153, MONDO:0016419, OMIM 114480. Disease mechanism: loss of function.

Submission:

Labcorp Genetics (formerly Invitae), Labcorp
Classification: Uncertain significance for Familial cancer of breast. Last evaluated: 2025-06-30. Review status: criteria provided, single submitter. Criteria: Invitae Variant Classification Sherloc (09022015). Collection method: clinical testing. Allele origin: germline.
Comment: This sequence change replaces threonine, which is neutral and polar, with serine, which is neutral and polar, at codon 521 of the PALB2 protein (p.Thr521Ser). This variant is not present in population databases (gnomAD no frequency). This variant has not been reported in the literature in individuals affected with PALB2-related conditions. ClinVar contains an entry for this variant (Variation ID: 3011589). Invitae Evidence Modeling of protein sequence and biophysical properties (such as structural, functional, and spatial information, amino acid conservation, physicochemical variation, residue mobility, and thermodynamic stability) indicates that this missense variant is not expected to disrupt PALB2 protein function with a negative predictive value of 80%. In summary, the available evidence is currently insufficient to determine the role of this variant in disease. Therefore, it has been classified as a Variant of Uncertain Significance.